The following is an entry in ClinVar:

ClinVar aggregate classification (germline): Uncertain significance (1 of 4 stars; one submission).

Conditions:
Melnick-Needles syndrome (MNS). Also called: MELNICK-NEEDLES OSTEODYSPLASTY; OSTEODYSPLASTY OF MELNICK AND NEEDLES; Melnick-Needles Syndrome (FLNA-MNS). Identifiers: Orphanet 2484, MedGen C0025237, MONDO:0010650, OMIM 309350.
Frontometaphyseal dysplasia (FMD1). Identifiers: Orphanet 1826, MedGen C0265293, MONDO:0015942.
Heterotopia, periventricular, X-linked dominant (PVNH1). Also called: PERIVENTRICULAR NODULAR HETEROTOPIA 1; X-linked periventricular heterotopia; PERIVENTRICULAR NODULAR HETEROTOPIA 4; HETEROTOPIA, PERIVENTRICULAR, 1. Identifiers: Orphanet 2149, Orphanet 82004, MedGen C1848213, MONDO:0010233, OMIM 300049.
Oto-palato-digital syndrome, type II (OPD2). Also called: FACIOPALATOOSSEOUS SYNDROME; OPD II SYNDROME; Otopalatodigital Syndrome, Type II; Otopalatodigital Syndrome Type 2 (FLNA-OPD2). Identifiers: Orphanet 669, Orphanet 90652, MedGen C1844696, MONDO:0010571, OMIM 304120.

gnomAD v4.1: 1 of 1,211,921 alleles (0.000083%); highest among the groups gnomAD compares: Non-Finnish European, 0.00011%; no homozygotes.

Submission:

Labcorp Genetics (formerly Invitae), Labcorp
Classification: Uncertain significance for Oto-palato-digital syndrome, type II; Heterotopia, periventricular, X-linked dominant; Frontometaphyseal dysplasia; Melnick-Needles syndrome. Last evaluated: 2025-09-30. Review status: criteria provided, single submitter. Criteria: Invitae Variant Classification Sherloc (09022015). Collection method: clinical testing. Allele origin: germline.
Comment: This sequence change replaces threonine, which is neutral and polar, with isoleucine, which is neutral and non-polar, at codon 1594 of the FLNA protein (p.Thr1594Ile). This variant is not present in population databases (gnomAD no frequency). This variant has not been reported in the literature in individuals affected with FLNA-related conditions. ClinVar contains an entry for this variant (Variation ID: 3753983). Invitae Evidence Modeling of protein sequence and biophysical properties (such as structural, functional, and spatial information, amino acid conservation, physicochemical variation, residue mobility, and thermodynamic stability) indicates that this missense variant is not expected to disrupt FLNA protein function with a negative predictive value of 95%. In summary, the available evidence is currently insufficient to determine the role of this variant in disease. Therefore, it has been classified as a Variant of Uncertain Significance.

NM_001110556.2(FLNA):c.4781C>T (p.Thr1594Ile)

Gene: FLNA (filamin A; minus strand). Cytogenetic location: Xq28.
Variant type: single nucleotide variant.
Coding change: c.4781C>T on transcript NM_001110556.2 (MANE Select); coding-DNA position 4781, C replaced by T.
Protein change: p.Thr1594Ile; replaces threonine 1594 with isoleucine.
Molecular consequence: missense variant.
Genome position (GRCh38, 1-based): chrX:154,357,598, G>A on the plus strand (C>T on the coding strand, the complement: FLNA is on the minus strand). VCF-style: chrX-154357598-G-A. GRCh37 (hg19) VCF-style: chrX-153585966-G-A.
Other names: c.4781C>T, p.Thr1594Ile (NM_001456.4); short protein forms T1594I.
Identifiers: ClinVar variation 3753983 (VCV003753983.2).
Genomic context (GRCh38, chrX:154,357,598, plus strand): 5'-CCTGTCACGTCTGGCACGTAGGCCACTGTATACGTGCCGTCATGGTTGTCTTGGATGTGT[G>A]TCTTCTTCGGCTTGCCTTCGGGATCCTGTGTGGCAGAGGCAGGGGAGGCAGTTGGCCCAA-3'
Protein context (NP_001104026.1, residues 1584-1604): ITDPEGKPKK[Thr1594Ile]HIQDNHDGTY